The following is an entry in ClinVar:

NC_000002.12:g.121530975C>T

Genes: CLASP1 (cytoplasmic linker associated protein 1; minus strand), CLASP1-AS1 (CLASP1 antisense RNA 1; plus strand), RNU4ATAC (RNA, U4atac small nuclear; plus strand). Cytogenetic location: 2q14.2.
Variant type: single nucleotide variant.
Molecular consequence: intron variant (on NM_001395891.1).
Genome position: GRCh38 VCF-style: chr2-121530975-C-T. GRCh37 (hg19) VCF-style: chr2-122288551-C-T.
Other names: c.196-650G>A (NM_001142274.2, NM_015282.3, NM_001378003.1 and 5 more transcripts).
Identifiers: ClinVar variation 1479115 (VCV001479115.3), dbSNP rs538424742, ClinGen allele CA1854736.

ClinVar aggregate classification (germline): Uncertain significance (1 of 4 stars; one submission).

Allele frequency attached by ClinVar (database versions not stated): 1000 Genomes Project 0.00060.
gnomAD v4.1: 369 of 700,416 alleles (0.053%); highest among the groups gnomAD compares: Non-Finnish European, 0.081%; no homozygotes.

Submission:

Labcorp Genetics (formerly Invitae), Labcorp
Classification: Uncertain significance. Last evaluated: 2022-10-24. Review status: criteria provided, single submitter. Criteria: Invitae Variant Classification Sherloc (09022015). Collection method: clinical testing. Allele origin: germline.
Comment: This variant occurs in the RNU4ATAC gene, which encodes an RNA molecule that does not result in a protein product. This variant is present in population databases (rs538424742, gnomAD 0.09%). This variant has not been reported in the literature in individuals affected with RNU4ATAC-related conditions. ClinVar contains an entry for this variant (Variation ID: 1479115). Experimental studies and prediction algorithms are not available or were not evaluated, and the functional significance of this variant is currently unknown. In summary, the available evidence is currently insufficient to determine the role of this variant in disease. Therefore, it has been classified as a Variant of Uncertain Significance.